The following is an entry in ClinVar:

ClinVar aggregate classification (germline): Uncertain significance. Review status: criteria provided, multiple submitters, no conflicts (2 of 4 stars). 2 submissions from 2 submitters: Uncertain significance (2). Last evaluated 2025-09-01.

Conditions:
Epidermolysis bullosa simplex 5B, with muscular dystrophy (EBS5B). Also called: EPIDERMOLYSIS BULLOSA SIMPLEX AND LIMB-GIRDLE MUSCULAR DYSTROPHY; Epidermolysis bullosa simplex with muscular dystrophy. Identifiers: Orphanet 257, MedGen C2931072, MONDO:0009181, OMIM 226670.
Epidermolysis bullosa simplex 5C, with pyloric atresia (EBS5C). Also called: PLEC-Related Epidermolysis Bullosa with Pyloric Atresia; Epidermolysis bullosa simplex with pyloric atresia; PLEC1-Related Epidermolysis Bullosa with Pyloric Atresia. Identifiers: Orphanet 158684, MedGen C2677349, MONDO:0012807, OMIM 612138.
Autosomal recessive limb-girdle muscular dystrophy type 2Q (LGMDR17). Also called: MUSCULAR DYSTROPHY, LIMB-GIRDLE, AUTOSOMAL RECESSIVE 17. Identifiers: Orphanet 254361, MedGen C3150989, MONDO:0013390, OMIM 613723.
Epidermolysis bullosa simplex, Ogna type (EBS5A). Also called: Pidermolysis bullosa simplex 5A, Ogna type; EPIDERMOLYSIS BULLOSA SIMPLEX 5A, OGNA TYPE. Identifiers: Orphanet 79401, MedGen C0432317, MONDO:0007555, OMIM 131950.
Epidermolysis bullosa simplex with nail dystrophy (EBS5D). Identifiers: MedGen C4225309, MONDO:0014661, OMIM 616487.

Allele frequency attached by ClinVar (database versions not stated): gnomAD 0.00001; gnomAD exomes 0.00001.

Submissions (2):

CeGaT Center for Human Genetics Tuebingen
Classification: Uncertain significance. Last evaluated: 2025-09-01. Review status: criteria provided, single submitter. Criteria: CeGaT Center For Human Genetics Tuebingen Variant Classification Criteria Version 2. Collection method: clinical testing. Allele origin: germline. Affected: yes. Observed: 1 variant allele.
Comment: PLEC: PM2

Labcorp Genetics (formerly Invitae), Labcorp
Classification: Uncertain significance for Autosomal recessive limb-girdle muscular dystrophy type 2Q; Epidermolysis bullosa simplex, Ogna type; Epidermolysis bullosa simplex with nail dystrophy; Epidermolysis bullosa simplex 5C, with pyloric atresia; Epidermolysis bullosa simplex 5B, with muscular dystrophy. Last evaluated: 2025-06-09. Review status: criteria provided, single submitter. Criteria: Invitae Variant Classification Sherloc (09022015). Collection method: clinical testing. Allele origin: germline.
Comment: This sequence change replaces threonine, which is neutral and polar, with alanine, which is neutral and non-polar, at codon 2388 of the PLEC protein (p.Thr2388Ala). This variant is present in population databases (no rsID available, gnomAD 0.003%). This variant has not been reported in the literature in individuals affected with PLEC-related conditions. ClinVar contains an entry for this variant (Variation ID: 2924039). An algorithm developed to predict the effect of missense changes on protein structure and function outputs the following: PolyPhen-2: "Benign". The alanine amino acid residue is found in multiple mammalian species, which suggests that this missense change does not adversely affect protein function. In summary, the available evidence is currently insufficient to determine the role of this variant in disease. Therefore, it has been classified as a Variant of Uncertain Significance.

NM_201384.3(PLEC):c.7081A>G (p.Thr2361Ala)

Gene: PLEC (plectin; minus strand). Cytogenetic location: 8q24.3.
Variant type: single nucleotide variant.
Coding change: c.7081A>G on transcript NM_201384.3 (MANE Select); coding-DNA position 7081, A replaced by G.
Protein change: p.Thr2361Ala; replaces threonine 2361 with alanine.
Molecular consequence: missense variant. On other transcripts: intron variant (1).
Genome position (GRCh38, 1-based): chr8:143,922,848, T>C on the plus strand (A>G on the coding strand, the complement: PLEC is on the minus strand). VCF-style: chr8-143922848-T-C. GRCh37 (hg19) VCF-style: chr8-144997016-T-C.
Other names: c.7162A>G, p.Thr2388Ala (NM_000445.5); c.7039A>G, p.Thr2347Ala (NM_201378.4); c.7015A>G, p.Thr2339Ala (NM_201379.3); c.7492A>G, p.Thr2498Ala (NM_201380.4); c.6985A>G, p.Thr2329Ala (NM_201381.3); c.7081A>G, p.Thr2361Ala (NM_201382.4); c.7093A>G, p.Thr2365Ala (NM_201383.3); c.4126-453A>G (NM_001410941.1); short protein forms T2329A, T2498A, T2339A, T2388A, T2347A, T2361A, T2365A.
Identifiers: ClinVar variation 2924039 (VCV002924039.10), dbSNP rs1564011174, ClinGen allele CA372529999.